The following is an entry in ClinVar:

ClinVar aggregate classification (germline): Uncertain significance (1 of 4 stars; one submission).

gnomAD v4.1: 1 of 1,614,094 alleles (0.000062%); highest among the groups gnomAD compares: Non-Finnish European, 0.000085%; no homozygotes.

Submission:

GeneDx
Classification: Uncertain significance. Last evaluated: 2026-01-28. Review status: criteria provided, single submitter. Criteria: GeneDx Variant Classification Process June 2021. Collection method: clinical testing. Allele origin: germline.
Comment: Not observed at significant frequency in large population cohorts (gnomAD); In silico analysis supports that this missense variant has a deleterious effect on protein structure/function; Has not been previously published as pathogenic or benign to our knowledge

NM_006922.4(SCN3A):c.1202T>C (p.Met401Thr)

Gene: SCN3A (sodium voltage-gated channel alpha subunit 3; minus strand). Cytogenetic location: 2q24.3.
Variant type: single nucleotide variant.
Coding change: c.1202T>C on transcript NM_006922.4 (MANE Select); coding-DNA position 1202, T replaced by C.
Protein change: p.Met401Thr; replaces methionine 401 with threonine.
Molecular consequence: missense variant.
Genome position (GRCh38, 1-based): chr2:165,154,630, A>G on the plus strand (T>C on the coding strand, the complement: SCN3A is on the minus strand). VCF-style: chr2-165154630-A-G. GRCh37 (hg19) VCF-style: chr2-166011140-A-G.
Other names: c.1202T>C, p.Met401Thr (NM_001081676.2, NM_001081677.2); short protein forms M401T.
Identifiers: ClinVar variation 4887886 (VCV004887886.1).